The following is an entry in ClinVar:

ClinVar aggregate classification (germline): Uncertain significance (1 of 4 stars; one submission).

Allele frequency attached by ClinVar (database versions not stated): gnomAD exomes below 0.00001; TOPMed 0.00001.
gnomAD v4.1: 1 of 1,551,556 alleles (0.000064%); highest among the groups gnomAD compares: Admixed American, 0.002%; no homozygotes.

Submission:

Labcorp Genetics (formerly Invitae), Labcorp
Classification: Uncertain significance. Last evaluated: 2024-12-02. Review status: criteria provided, single submitter. Criteria: Invitae Variant Classification Sherloc (09022015). Collection method: clinical testing. Allele origin: germline.
Comment: This sequence change replaces proline, which is neutral and non-polar, with histidine, which is basic and polar, at codon 1834 of the GREB1L protein (p.Pro1834His). This variant is present in population databases (no rsID available, gnomAD no frequency). This variant has not been reported in the literature in individuals affected with GREB1L-related conditions. ClinVar contains an entry for this variant (Variation ID: 2006573). An algorithm developed to predict the effect of missense changes on protein structure and function (PolyPhen-2) suggests that this variant is likely to be disruptive. In summary, the available evidence is currently insufficient to determine the role of this variant in disease. Therefore, it has been classified as a Variant of Uncertain Significance.

NM_001142966.3(GREB1L):c.5501C>A (p.Pro1834His)

Gene: GREB1L (GREB1 like retinoic acid receptor coactivator; plus strand). Cytogenetic location: 18q11.2.
Variant type: single nucleotide variant.
Coding change: c.5501C>A on transcript NM_001142966.3 (MANE Select); coding-DNA position 5501, C replaced by A.
Protein change: p.Pro1834His; replaces proline 1834 with histidine.
Molecular consequence: missense variant.
Genome position (GRCh38, 1-based): chr18:21,520,716, C>A. VCF-style: chr18-21520716-C-A. GRCh37 (hg19) VCF-style: chr18-19100677-C-A.
Other names: c.5630C>A, p.Pro1877His (NM_001410867.1); c.5174C>A, p.Pro1725His (NM_001410868.1); short protein forms P1877H, P1725H, P1834H.
Identifiers: ClinVar variation 2006573 (VCV002006573.4), dbSNP rs1458365964, ClinGen allele CA401738571.